The following is an entry in ClinVar:

ClinVar aggregate classification (germline): Conflicting classifications of pathogenicity. Review status: criteria provided, conflicting classifications (1 of 4 stars). 3 submissions from 3 submitters: Uncertain significance (2); Likely benign (1). Last evaluated 2026-03-15.

Conditions:
Left ventricular noncompaction 1 (LVNC1). Also called: LEFT VENTRICULAR NONCOMPACTION 1 WITH OR WITHOUT CONGENITAL HEART DEFECTS. Identifiers: Orphanet 54260, MedGen C1858725, MONDO:0011403, OMIM 604169.

Allele frequency attached by ClinVar (database versions not stated): gnomAD 0.00001; ExAC 0.00002; TOPMed 0.00002.
gnomAD v4.1: 21 of 1,613,974 alleles (0.0013%); highest among the groups gnomAD compares: South Asian, 0.019%; no homozygotes.

Submissions (3):

Women's Health and Genetics/Laboratory Corporation of America, LabCorp
Classification: Uncertain significance. Last evaluated: 2026-03-15. Review status: criteria provided, single submitter. Criteria: LabCorp Variant Classification Summary - May 2015. Collection method: clinical testing. Allele origin: germline.

CeGaT Center for Human Genetics Tuebingen
Classification: Likely benign. Last evaluated: 2025-01-01. Review status: criteria provided, single submitter. Criteria: CeGaT Center For Human Genetics Tuebingen Variant Classification Criteria Version 2. Collection method: clinical testing. Allele origin: germline. Affected: yes. Observed: 1 variant allele.
Comment: DTNA: BP4

Labcorp Genetics (formerly Invitae), Labcorp
Classification: Uncertain significance for Left ventricular noncompaction 1. Last evaluated: 2023-12-26. Review status: criteria provided, single submitter. Criteria: Invitae Variant Classification Sherloc (09022015). Collection method: clinical testing. Allele origin: germline.
Comment: This sequence change replaces threonine, which is neutral and polar, with alanine, which is neutral and non-polar, at codon 687 of the DTNA protein (p.Thr687Ala). This variant is present in population databases (rs764242924, gnomAD 0.006%). This variant has not been reported in the literature in individuals affected with DTNA-related conditions. Algorithms developed to predict the effect of missense changes on protein structure and function output the following: SIFT: "Not Available"; PolyPhen-2: "Benign"; Align-GVGD: "Not Available". The alanine amino acid residue is found in multiple mammalian species, which suggests that this missense change does not adversely affect protein function. In summary, the available evidence is currently insufficient to determine the role of this variant in disease. Therefore, it has been classified as a Variant of Uncertain Significance.

NM_001386795.1(DTNA):c.2140A>G (p.Thr714Ala)

Gene: DTNA (dystrobrevin alpha; plus strand). Cytogenetic location: 18q12.1.
Variant type: single nucleotide variant.
Coding change: c.2140A>G on transcript NM_001386795.1 (MANE Select); coding-DNA position 2140, A replaced by G.
Protein change: p.Thr714Ala; replaces threonine 714 with alanine.
Molecular consequence: missense variant.
Genome position (GRCh38, 1-based): chr18:34,879,697, A>G. VCF-style: chr18-34879697-A-G. GRCh37 (hg19) VCF-style: chr18-32459661-A-G.
Other names: c.1879A>G, p.Thr627Ala (NM_001198938.2, NM_001198940.2, NM_001386753.1 and 5 more transcripts); c.1900A>G, p.Thr634Ala (NM_001198939.2); c.1186A>G, p.Thr396Ala (NM_001198942.1); c.1129A>G, p.Thr377Ala (NM_001198943.1); c.1015A>G, p.Thr339Ala (NM_001198944.1); c.1969A>G, p.Thr657Ala (NM_001386754.1, NM_001386755.1, NM_001386756.1 and 3 more transcripts); c.1966A>G, p.Thr656Ala (NM_001386760.1); c.1888A>G, p.Thr630Ala (NM_001386761.1, NM_032975.4); and 5 more; short protein forms T377A, T396A, T656A, T657A, T335A, T339A, T714A, T626A.
Identifiers: ClinVar variation 2982772 (VCV002982772.17), dbSNP rs764242924, ClinGen allele CA8935936.